The following is an entry in ClinVar:

ClinVar aggregate classification (germline): Pathogenic. Review status: criteria provided, multiple submitters, no conflicts (2 of 4 stars). 2 submissions from 2 submitters: Pathogenic (2). Last evaluated 2025-07-02.

Conditions:
Multiple endocrine neoplasia, type 1 (MEN1). Also called: MEA I; MEN I; WERMER SYNDROME; Endocrine adenomatosis multiple; MEN 1. Identifiers: Orphanet 652, MedGen C0025267, MeSH D018761, MONDO:0007540, OMIM 131100.

Submissions (2):

Labcorp Genetics (formerly Invitae), Labcorp
Classification: Pathogenic for Multiple endocrine neoplasia, type 1. Last evaluated: 2025-07-02. Review status: criteria provided, single submitter. Criteria: Invitae Variant Classification Sherloc (09022015). Collection method: clinical testing. Allele origin: germline.
Comment: This sequence change creates a premature translational stop signal (p.Gln453*) in the MEN1 gene. While this is not anticipated to result in nonsense mediated decay, it is expected to disrupt the last 158 amino acid(s) of the MEN1 protein. This variant is not present in population databases (gnomAD no frequency). This premature translational stop signal has been observed in individual(s) with multiple endocrine neoplasia type 1 (PMID: 9463336). This variant disrupts a region of the MEN1 protein in which other variant(s) (p.Thr580Argfs*8) have been determined to be pathogenic (internal data). This suggests that this is a clinically significant region of the protein, and that variants that disrupt it are likely to be disease-causing. For these reasons, this variant has been classified as Pathogenic.

Women's Health and Genetics/Laboratory Corporation of America, LabCorp
Classification: Pathogenic for Multiple endocrine neoplasia, type 1. Last evaluated: 2025-05-14. Review status: criteria provided, single submitter. Criteria: LabCorp Variant Classification Summary - May 2015. Collection method: clinical testing. Allele origin: germline.
Comment: Variant summary: MEN1 c.1357C>T (p.Gln453X) results in a premature termination codon, predicted to cause a truncation of the encoded protein or absence of the protein due to nonsense mediated decay, which are commonly known mechanisms for disease. The variant was absent in 228868 control chromosomes. c.1357C>T has been observed in individual(s) affected with Multiple Endocrine Neoplasia Type 1 (e.g. Bassett_1998, Jager_2006, Vinagre_2016, Figueiredo_2023). These data indicate that the variant is likely to be associated with disease. To our knowledge, no experimental evidence demonstrating an impact on protein function has been reported. The following publications have been ascertained in the context of this evaluation (PMID: 9463336, 36780067, 16563611, 27411289). No submitters have cited clinical-significance assessments for this variant to ClinVar. Based on the evidence outlined above, the variant was classified as pathogenic.

Literature cited by the submitters: PubMed 9463336 (cited by Labcorp Genetics (formerly Invitae), Labcorp and Women's Health and Genetics/Laboratory Corporation of America, LabCorp); PubMed 16563611 (cited by Women's Health and Genetics/Laboratory Corporation of America, LabCorp); PubMed 36780067 (cited by Women's Health and Genetics/Laboratory Corporation of America, LabCorp); PubMed 27411289 (cited by Women's Health and Genetics/Laboratory Corporation of America, LabCorp).

NM_001370259.2(MEN1):c.1357C>T (p.Gln453Ter)

Gene: MEN1 (menin 1; minus strand). Cytogenetic location: 11q13.1.
Variant type: single nucleotide variant.
Coding change: c.1357C>T on transcript NM_001370259.2 (MANE Select); coding-DNA position 1357, C replaced by T.
Protein change: p.Gln453Ter; replaces glutamine 453 with a stop codon.
Molecular consequence: nonsense. On other transcripts: non-coding transcript variant (4).
Genome position (GRCh38, 1-based): chr11:64,804,810, G>A on the plus strand (C>T on the coding strand, the complement: MEN1 is on the minus strand). VCF-style: chr11-64804810-G-A. GRCh37 (hg19) VCF-style: chr11-64572282-G-A.
Other names: c.1378C>T, p.Gln460Ter (NM_001407151.1); c.1192C>T, p.Gln398Ter (NM_001407152.1); c.1357C>T, p.Gln453Ter (NM_130799.3, NM_001370260.2, NM_001370261.2 and 2 more transcripts); c.1372C>T, p.Gln458Ter (NM_130800.3, NM_130801.3, NM_130802.3 and 4 more transcripts); c.1483C>T, p.Gln495Ter (NM_001370251.2, NM_001407142.1, NM_001407143.1 and 1 more transcripts); c.1252C>T, p.Gln418Ter (NM_001370262.2, NM_001370263.2, NM_001407148.1 and 1 more transcripts); c.1498C>T, p.Gln500Ter (NM_001407150.1); short protein forms Q398*, Q418*, Q453*, Q458*, Q460*, Q495*, Q500*.
Identifiers: ClinVar variation 3902228 (VCV003902228.2).